The following is an entry in ClinVar:

ClinVar aggregate classification (germline): Pathogenic (1 of 4 stars; one submission).

Submission:

Labcorp Genetics (formerly Invitae), Labcorp
Classification: Pathogenic. Last evaluated: 2022-04-21. Review status: criteria provided, single submitter. Criteria: Invitae Variant Classification Sherloc (09022015). Collection method: clinical testing. Allele origin: germline.
Comment: This variant is a gross deletion of the genomic region encompassing exon(s) 6-16 of the EIF2B5 gene, which includes the termination codon. This deletion extends beyond the assayed region for this gene and therefore may encompass additional genes. While this deletion is not anticipated to lead to nonsense mediated decay, it is expected to alter mRNA translation or result in a truncated protein product. This variant has not been reported in the literature in individuals affected with EIF2B5-related conditions. This variant disrupts a region of the EIF2B5 protein in which other variant(s) (p.Ser447Leu) have been determined to be pathogenic (PMID: 14566705, 19158808, 19170749, 21307862). This suggests that this is a clinically significant region of the protein, and that variants that disrupt it are likely to be disease-causing. For these reasons, this variant has been classified as Pathogenic.

Literature cited by the submitters: PubMed 14566705; PubMed 19158808; PubMed 19170749; PubMed 21307862.

NC_000003.11:g.(?_183857858)_(183862741_?)del

Gene: EIF2B5 (eukaryotic translation initiation factor 2B subunit epsilon; plus strand). Cytogenetic location: 3q27.1.
Variant type: Deletion.
Identifiers: ClinVar variation 2424793 (VCV002424793.4).